The following is an entry in ClinVar:

NM_002474.3(MYH11):c.4811A>T (p.Glu1604Val)

Genes: NDE1 (nudE neurodevelopment protein 1; plus strand), MYH11 (myosin heavy chain 11; minus strand). Cytogenetic location: 16p13.11.
Variant type: single nucleotide variant.
Coding change: c.4811A>T on transcript NM_002474.3 (MANE Select); coding-DNA position 4811, A replaced by T.
Protein change: p.Glu1604Val; replaces glutamic acid 1604 with valine.
Molecular consequence: missense variant. On other transcripts: intron variant (2).
Genome position (GRCh38, 1-based): chr16:15,720,293, T>A on the plus strand (A>T on the coding strand, the complement: MYH11 is on the minus strand). VCF-style: chr16-15720293-T-A. GRCh37 (hg19) VCF-style: chr16-15814150-T-A.
Other names: c.4832A>T, p.Glu1611Val (NM_001040113.2, NM_001040114.2); c.4811A>T, p.Glu1604Val (NM_022844.3); c.948-3898T>A (NM_001143979.2, NM_017668.3); short protein forms E1611V, E1604V.
Identifiers: ClinVar variation 1743288 (VCV001743288.2), dbSNP rs2506114120, ClinGen allele CA394852773.

ClinVar aggregate classification (germline): Uncertain significance (1 of 4 stars; one submission).

Conditions:
Familial thoracic aortic aneurysm and aortic dissection (TAAD). Also called: Thoracic aortic aneurysms and dissections. Identifiers: Orphanet 91387, MedGen C4707243, MONDO:0019625.

Submission:

Ambry Genetics
Classification: Uncertain significance for Familial thoracic aortic aneurysm and aortic dissection. Last evaluated: 2020-03-31. Review status: criteria provided, single submitter. Criteria: Ambry Variant Classification Scheme 2023. Collection method: clinical testing. Allele origin: germline.
Comment: The p.E1604V variant (also known as c.4811A>T), located in coding exon 33 of the MYH11 gene, results from an A to T substitution at nucleotide position 4811. The glutamic acid at codon 1604 is replaced by valine, an amino acid with dissimilar properties. This amino acid position is highly conserved in available vertebrate species. In addition, this alteration is predicted to be deleterious by in silico analysis. Since supporting evidence is limited at this time, the clinical significance of this alteration remains unclear.